The following is an entry in ClinVar:

ClinVar aggregate classification (germline): Uncertain significance. Review status: criteria provided, multiple submitters, no conflicts (2 of 4 stars). 2 submissions from 2 submitters: Uncertain significance (2). Last evaluated 2025-01-27.

Conditions:
Multiple congenital anomalies-hypotonia-seizures syndrome 1 (MCAHS1). Also called: GLYCOSYLPHOSPHATIDYLINOSITOL BIOSYNTHESIS DEFECT 3; PIGN-CDG; Congenital disorder of glycosylation due to PIGN deficiency. Identifiers: Orphanet 280633, MedGen C3279775, MONDO:0013563, OMIM 614080.

gnomAD v4.1: 1 of 1,608,484 alleles (0.000062%); highest among the groups gnomAD compares: Non-Finnish European, 0.000085%; no homozygotes.

Submissions (2):

Labcorp Genetics (formerly Invitae), Labcorp
Classification: Uncertain significance for Multiple congenital anomalies-hypotonia-seizures syndrome 1. Last evaluated: 2025-01-27. Review status: criteria provided, single submitter. Criteria: Invitae Variant Classification Sherloc (09022015). Collection method: clinical testing. Allele origin: germline.
Comment: This sequence change replaces threonine, which is neutral and polar, with proline, which is neutral and non-polar, at codon 285 of the PIGN protein (p.Thr285Pro). This variant is not present in population databases (gnomAD no frequency). This variant has not been reported in the literature in individuals affected with PIGN-related conditions. ClinVar contains an entry for this variant (Variation ID: 2011422). Invitae Evidence Modeling of protein sequence and biophysical properties (such as structural, functional, and spatial information, amino acid conservation, physicochemical variation, residue mobility, and thermodynamic stability) has been performed for this missense variant. However, the output from this modeling did not meet the statistical confidence thresholds required to predict the impact of this variant on PIGN protein function. In summary, the available evidence is currently insufficient to determine the role of this variant in disease. Therefore, it has been classified as a Variant of Uncertain Significance.

GeneDx
Classification: Uncertain significance. Last evaluated: 2022-09-19. Review status: criteria provided, single submitter. Criteria: GeneDx Variant Classification Process June 2021. Collection method: clinical testing. Allele origin: germline. Affected: yes.
Comment: Not observed at significant frequency in large population cohorts (gnomAD); In silico analysis supports that this missense variant does not alter protein structure/function; Has not been previously published as pathogenic or benign to our knowledge

NM_176787.5(PIGN):c.853A>C (p.Thr285Pro)

Gene: PIGN (phosphatidylinositol glycan anchor biosynthesis class N; minus strand). Cytogenetic location: 18q21.33.
Variant type: single nucleotide variant.
Coding change: c.853A>C on transcript NM_176787.5 (MANE Select); coding-DNA position 853, A replaced by C.
Protein change: p.Thr285Pro; replaces threonine 285 with proline.
Molecular consequence: missense variant.
Genome position (GRCh38, 1-based): chr18:62,145,978, T>G on the plus strand (A>C on the coding strand, the complement: PIGN is on the minus strand). VCF-style: chr18-62145978-T-G. GRCh37 (hg19) VCF-style: chr18-59813211-T-G.
Other names: c.853A>C (NM_176787.4); c.853A>C, p.Thr285Pro (NM_012327.6); short protein forms T285P.
Identifiers: ClinVar variation 2011422 (VCV002011422.5), dbSNP rs2513917735, ClinGen allele CA402601149.